The following is an entry in ClinVar:

ClinVar aggregate classification (germline): Uncertain significance. Review status: criteria provided, multiple submitters, no conflicts (2 of 4 stars). 2 submissions from 2 submitters: Uncertain significance (2). Last evaluated 2025-09-14.

Conditions:
Amyotrophic lateral sclerosis type 1 (ALS1). Also called: AMYOTROPHIC LATERAL SCLEROSIS 1, FAMILIAL. Identifiers: Orphanet 803, MedGen C1862939, MONDO:0007103, OMIM 105400.
Neuronopathy, distal hereditary motor, type 7B. Also called: NEURONOPATHY, DISTAL HEREDITARY MOTOR, AUTOSOMAL DOMINANT 14; NEURONOPATHY, DISTAL HEREDITARY MOTOR, HARDING TYPE VIIB; NEUROPATHY, DISTAL HEREDITARY MOTOR, HARDING TYPE VIIB; HMN VIIB; LOWER MOTOR NEURON DISEASE, DYNACTIN TYPE; NEUROPATHY, DISTAL HEREDITARY MOTOR, WITH VOCAL CORD PARALYSIS, HARDING TYPE VIIB. Identifiers: Orphanet 139589, MedGen C1843315, MONDO:0011879, OMIM 607641.
Perry syndrome. Also called: PARKINSONISM WITH ALVEOLAR HYPOVENTILATION AND MENTAL DEPRESSION. Identifiers: Orphanet 178509, MedGen C1868594, MONDO:0008201, OMIM 168605.
Inborn genetic diseases. Identifiers: MedGen C0950123, MeSH D030342.

Allele frequency attached by ClinVar (database versions not stated): gnomAD exomes below 0.00001.
gnomAD v4.1: 1 of 1,614,032 alleles (0.000062%); highest among the groups gnomAD compares: Non-Finnish European, 0.000085%; no homozygotes.

Submissions (2):

Labcorp Genetics (formerly Invitae), Labcorp
Classification: Uncertain significance for Amyotrophic lateral sclerosis type 1; Neuronopathy, distal hereditary motor, type 7B; Perry syndrome. Last evaluated: 2025-09-14. Review status: criteria provided, single submitter. Criteria: Invitae Variant Classification Sherloc (09022015). Collection method: clinical testing. Allele origin: germline.
Comment: This sequence change replaces serine, which is neutral and polar, with glycine, which is neutral and non-polar, at codon 1153 of the DCTN1 protein (p.Ser1153Gly). This variant is not present in population databases (gnomAD no frequency). This variant has not been reported in the literature in individuals affected with DCTN1-related conditions. ClinVar contains an entry for this variant (Variation ID: 1731598). Invitae Evidence Modeling of protein sequence and biophysical properties (such as structural, functional, and spatial information, amino acid conservation, physicochemical variation, residue mobility, and thermodynamic stability) indicates that this missense variant is not expected to disrupt DCTN1 protein function with a negative predictive value of 95%. In summary, the available evidence is currently insufficient to determine the role of this variant in disease. Therefore, it has been classified as a Variant of Uncertain Significance.

Ambry Genetics
Classification: Uncertain significance for Inborn genetic diseases. Last evaluated: 2021-08-02. Review status: criteria provided, single submitter. Criteria: Ambry Variant Classification Scheme 2023. Collection method: clinical testing. Allele origin: germline.
Comment: The p.S1153G variant (also known as c.3457A>G), located in coding exon 29 of the DCTN1 gene, results from an A to G substitution at nucleotide position 3457. The serine at codon 1153 is replaced by glycine, an amino acid with similar properties. This amino acid position is conserved. In addition, this alteration is predicted to be tolerated by in silico analysis. Since supporting evidence is limited at this time, the clinical significance of this alteration remains unclear.

NM_004082.5(DCTN1):c.3457A>G (p.Ser1153Gly)

Gene: DCTN1 (dynactin subunit 1; minus strand). Cytogenetic location: 2p13.1.
Variant type: single nucleotide variant.
Coding change: c.3457A>G on transcript NM_004082.5 (MANE Select); coding-DNA position 3457, A replaced by G.
Protein change: p.Ser1153Gly; replaces serine 1153 with glycine.
Molecular consequence: missense variant. On other transcripts: non-coding transcript variant (1).
Genome position (GRCh38, 1-based): chr2:74,363,066, T>C on the plus strand (A>G on the coding strand, the complement: DCTN1 is on the minus strand). VCF-style: chr2-74363066-T-C. GRCh37 (hg19) VCF-style: chr2-74590193-T-C.
Other names: c.3382A>G, p.Ser1128Gly (NM_001135040.3); c.3040A>G, p.Ser1014Gly (NM_001135041.3); c.3331A>G, p.Ser1111Gly (NM_001190836.2); c.3436A>G, p.Ser1146Gly (NM_001190837.2); c.3406A>G, p.Ser1136Gly (NM_001378991.1); c.3388A>G, p.Ser1130Gly (NM_001378992.1); c.3055A>G, p.Ser1019Gly (NM_023019.4); short protein forms S1136G, S1019G, S1130G, S1153G, S1111G, S1146G, S1014G, S1128G.
Identifiers: ClinVar variation 1731598 (VCV001731598.3), dbSNP rs2529082490, ClinGen allele CA347337199.
Genomic context (GRCh38, chr2:74,363,066, plus strand): 5'-GAGTGATGTCTACTACGTGCGTGTGTGTGCTCAATTGATTCAATGTCTCCAGCAGCTGGC[T>C]GGTCTTACGATACAGCGCTCCAGCTGGTAACTCACTGCCAGGGCCCTCATGGGATAGCTT-3'
Protein context (NP_004073.2, residues 1143-1163): LPAGALYRKT[Ser1153Gly]QLLETLNQLS